The following is an entry in ClinVar:

NM_001365536.1(SCN9A):c.1831A>G (p.Met611Val)

Genes: SCN1A-AS1 (SCN1A and SCN9A antisense RNA 1; plus strand), SCN9A (sodium voltage-gated channel alpha subunit 9; minus strand). Cytogenetic location: 2q24.3.
Variant type: single nucleotide variant.
Coding change: c.1831A>G on transcript NM_001365536.1 (MANE Select); coding-DNA position 1831, A replaced by G.
Protein change: p.Met611Val; replaces methionine 611 with valine.
Molecular consequence: missense variant.
Genome position (GRCh38, 1-based): chr2:166,284,596, T>C on the plus strand (A>G on the coding strand, the complement: SCN9A is on the minus strand). VCF-style: chr2-166284596-T-C. GRCh37 (hg19) VCF-style: chr2-167141106-T-C.
Other names: c.1831A>G, p.Met611Val (NM_002977.4); short protein forms M611V.
Identifiers: ClinVar variation 2949445 (VCV002949445.3), dbSNP rs2106483125, ClinGen allele CA349083053.

ClinVar aggregate classification (germline): Uncertain significance (1 of 4 stars; one submission).

Conditions:
Neuropathy, hereditary sensory and autonomic, type 2A (HSAN2A). Also called: ACROOSTEOLYSIS, GIACCAI TYPE; ACROOSTEOLYSIS, NEUROGENIC; MORVAN DISEASE; NEUROPATHY, CONGENITAL SENSORY; NEUROPATHY, HEREDITARY SENSORY RADICULAR, AUTOSOMAL RECESSIVE; NEUROPATHY, HEREDITARY SENSORY, TYPE IIA. Identifiers: Orphanet 970, MedGen C2752089, MONDO:0024309, OMIM 201300.
Generalized epilepsy with febrile seizures plus, type 7 (GEFSP7). Also called: GEFS+, TYPE 7. Identifiers: Orphanet 36387, MedGen C2751778, MONDO:0013470, OMIM 613863.

Allele frequency attached by ClinVar (database versions not stated): gnomAD exomes below 0.00001.
gnomAD v4.1: 1 of 1,614,040 alleles (0.000062%); highest among the groups gnomAD compares: Non-Finnish European, 0.000085%; no homozygotes.

Submission:

Labcorp Genetics (formerly Invitae), Labcorp
Classification: Uncertain significance for Neuropathy, hereditary sensory and autonomic, type 2A; Generalized epilepsy with febrile seizures plus, type 7. Last evaluated: 2023-08-08. Review status: criteria provided, single submitter. Criteria: Invitae Variant Classification Sherloc (09022015). Collection method: clinical testing. Allele origin: germline.
Comment: This sequence change replaces methionine, which is neutral and non-polar, with valine, which is neutral and non-polar, at codon 611 of the SCN9A protein (p.Met611Val). In summary, the available evidence is currently insufficient to determine the role of this variant in disease. Therefore, it has been classified as a Variant of Uncertain Significance. Advanced modeling of protein sequence and biophysical properties (such as structural, functional, and spatial information, amino acid conservation, physicochemical variation, residue mobility, and thermodynamic stability) performed at Invitae indicates that this missense variant is not expected to disrupt SCN9A protein function. This variant has not been reported in the literature in individuals affected with SCN9A-related conditions. This variant is not present in population databases (gnomAD no frequency).